The following is an entry in ClinVar:

NM_004006.3(DMD):c.170T>G (p.Leu57Arg)

Gene: DMD (dystrophin; minus strand). Cytogenetic location: Xp21.1.
Variant type: single nucleotide variant.
Coding change: c.170T>G on transcript NM_004006.3 (MANE Select); coding-DNA position 170, T replaced by G.
Protein change: p.Leu57Arg; replaces leucine 57 with arginine.
Molecular consequence: missense variant. On other transcripts: 5 prime UTR variant (1).
Genome position (GRCh38, 1-based): chrX:32,849,744, A>C on the plus strand (T>G on the coding strand, the complement: DMD is on the minus strand). VCF-style: chrX-32849744-A-C. GRCh37 (hg19) VCF-style: chrX-32867861-A-C.
Other names: c.146T>G, p.Leu49Arg (NM_000109.4); c.158T>G, p.Leu53Arg (NM_004009.3); c.-200T>G (NM_004010.3); short protein forms L57R, L49R, L53R.
Identifiers: ClinVar variation 618602 (VCV000618602.11), dbSNP rs886044431, ClinGen allele CA412674844.

ClinVar aggregate classification (germline): Conflicting classifications of pathogenicity. Review status: criteria provided, conflicting classifications (1 of 4 stars). 3 submissions from 3 submitters: Likely pathogenic (1); Uncertain significance (2). Last evaluated 2025-05-22.

Conditions:
Duchenne muscular dystrophy (DMD). Also called: MUSCULAR DYSTROPHY, PSEUDOHYPERTROPHIC PROGRESSIVE, DUCHENNE TYPE; Duchenne Muscular Dystrophy (DMD). Identifiers: Orphanet 98896, MedGen C0013264, MONDO:0010679, OMIM 310200.

Submissions (3):

Labcorp Genetics (formerly Invitae), Labcorp
Classification: Uncertain significance for Duchenne muscular dystrophy. Last evaluated: 2025-05-22. Review status: criteria provided, single submitter. Criteria: Invitae Variant Classification Sherloc (09022015). Collection method: clinical testing. Allele origin: germline.
Comment: This sequence change replaces leucine, which is neutral and non-polar, with arginine, which is basic and polar, at codon 57 of the DMD protein (p.Leu57Arg). This variant is not present in population databases (gnomAD no frequency). This variant has not been reported in the literature in individuals affected with DMD-related conditions. ClinVar contains an entry for this variant (Variation ID: 618602). Invitae Evidence Modeling of protein sequence and biophysical properties (such as structural, functional, and spatial information, amino acid conservation, physicochemical variation, residue mobility, and thermodynamic stability) has been performed for this missense variant. However, the output from this modeling did not meet the statistical confidence thresholds required to predict the impact of this variant on DMD protein function. In summary, the available evidence is currently insufficient to determine the role of this variant in disease. Therefore, it has been classified as a Variant of Uncertain Significance.

Revvity Omics, Revvity
Classification: Uncertain significance. Last evaluated: 2021-06-18. Review status: criteria provided, single submitter. Criteria: ACMG Guidelines, 2015. Collection method: clinical testing. Allele origin: germline.

ARUP Laboratories, Molecular Genetics and Genomics, ARUP Laboratories
Classification: Likely pathogenic. Last evaluated: 2017-11-10. Review status: criteria provided, single submitter. Criteria: ARUP Molecular Germline Variant Investigation Process. Collection method: clinical testing. Allele origin: germline.
Comment: The p.Leu57Arg variant has not been reported in the medical literature, is not listed in gene-specific variant databases, nor has it been previously identified in our laboratory. It is also absent from population databases such as 1000 Genomes, the NHLBI GO Exome Sequencing Project (ESP), and the Genome Aggregation Database (gnomAD) browser. The leucine at codon 57 is highly conserved considering 7 species up to Fruitfly (Alamut software v2.10), and computational analyses suggest this variant has a significant effect on DMD protein structure/function (SIFT: damaging, PolyPhen2: probably damaging, and Mutation Taster: disease causing). This variant is located in the calponin homology domain (IPR001715) which functions as the actin binding domain of DMD, and two nearby missense variants (p.Leu53Arg and p.Leu54Arg) have been reported in cases of DMD (Prior 1993 and Juan-Mateu 2013, respectively). Functional data suggest that variation in this domain, including p.Leu53Arg, leads to protein misfolding, reduced protein solubility, and disruption of critical interactions with actin (Henderson 2010). Taken together, the p.Leu57Arg variant is likely to be pathogenic.